The following is an entry in ClinVar:

NM_020937.4(FANCM):c.373A>G (p.Met125Val)

Gene: FANCM (FA complementation group M; plus strand). Cytogenetic location: 14q21.2.
Variant type: single nucleotide variant.
Coding change: c.373A>G on transcript NM_020937.4 (MANE Select); coding-DNA position 373, A replaced by G.
Protein change: p.Met125Val; replaces methionine 125 with valine.
Molecular consequence: missense variant.
Genome position (GRCh38, 1-based): chr14:45,136,404, A>G. VCF-style: chr14-45136404-A-G. GRCh37 (hg19) VCF-style: chr14-45605607-A-G.
Other names: c.373A>G, p.Met125Val (NM_001308133.2, NM_001308134.2); short protein forms M125V.
Identifiers: ClinVar variation 4844532 (VCV004844532.1).
Genomic context (GRCh38, chr14:45,136,404, plus strand): 5'-TGCAATACGCTGGTGTGTCTGCCTACCGGACTGGGAAAGACCTTTATTGCCGCCGTGGTC[A>G]TGTACAATTTCTACCGCTGGTTCCCTTCAGGAAAGGTGGTCTTCATGGCCCCAACGAAAC-3'
Protein context (NP_065988.1, residues 115-135): LGKTFIAAVV[Met125Val]YNFYRWFPSG

ClinVar aggregate classification (germline): Uncertain significance (1 of 4 stars; one submission).

Conditions:
Inborn genetic diseases. Identifiers: MedGen C0950123, MeSH D030342.

Submission:

Ambry Genetics
Classification: Uncertain significance for Inborn genetic diseases. Last evaluated: 2026-01-18. Review status: criteria provided, single submitter. Criteria: Ambry Variant Classification Scheme 2023. Collection method: clinical testing. Allele origin: germline.
Comment: The p.M125V variant (also known as c.373A>G), located in coding exon 1 of the FANCM gene, results from an A to G substitution at nucleotide position 373. The methionine at codon 125 is replaced by valine, an amino acid with highly similar properties. This amino acid position is conserved. In addition, this alteration is predicted to be tolerated by in silico analysis. Based on the available evidence, the clinical significance of this variant remains unclear.